The following is an entry in ClinVar:

NM_199242.3(UNC13D):c.1076G>A (p.Arg359His)

Gene: UNC13D (unc-13 homolog D; minus strand). Cytogenetic location: 17q25.1.
Variant type: single nucleotide variant.
Coding change: c.1076G>A on transcript NM_199242.3 (MANE Select); coding-DNA position 1076, G replaced by A.
Protein change: p.Arg359His; replaces arginine 359 with histidine.
Molecular consequence: missense variant.
Genome position (GRCh38, 1-based): chr17:75,836,898, C>T on the plus strand (G>A on the coding strand, the complement: UNC13D is on the minus strand). VCF-style: chr17-75836898-C-T. GRCh37 (hg19) VCF-style: chr17-73832979-C-T.
Other names: p.Arg359His; short protein forms R359H.
Identifiers: ClinVar variation 847734 (VCV000847734.7), dbSNP rs146611729, ClinGen allele CA8773127.

ClinVar aggregate classification (germline): Conflicting classifications of pathogenicity. Review status: criteria provided, conflicting classifications (1 of 4 stars). 4 submissions from 4 submitters: Uncertain significance (3); Likely benign (1). Last evaluated 2025-10-27.

Conditions:
Familial hemophagocytic lymphohistiocytosis 3 (FHL3). Also called: UNC13D-Related Familial Hemophagocytic Lymphohistiocytosis (UNC13D-fHLH). Identifiers: Orphanet 540, MedGen C1837174, MONDO:0012146, OMIM 608898.
Inborn genetic diseases. Identifiers: MedGen C0950123, MeSH D030342.

Allele frequency attached by ClinVar (database versions not stated): ESP Exome Variant Server 0.00008; TOPMed 0.00018; gnomAD 0.00019.

Submissions (4):

Mayo Clinic Laboratories, Mayo Clinic
Classification: Uncertain significance. Last evaluated: 2025-10-27. Review status: criteria provided, single submitter. Criteria: ACMG Guidelines, 2015. Collection method: clinical testing. Allele origin: germline. Observed: 1 variant allele.
Comment: BP4_moderate

3billion
Classification: Likely benign for Familial hemophagocytic lymphohistiocytosis 3. Last evaluated: 2024-09-20. Review status: criteria provided, single submitter. Criteria: ACMG Guidelines, 2015. Collection method: clinical testing. Allele origin: germline. Affected: no.
Comment: The homozygous variant was found in patients diagnosed with another variant in a different gene, with no symptoms related to the gene containing the homozygous variant.

Ambry Genetics
Classification: Uncertain significance for Inborn genetic diseases. Last evaluated: 2022-10-26. Review status: criteria provided, single submitter. Criteria: Ambry Variant Classification Scheme 2023. Collection method: clinical testing. Allele origin: germline.

Labcorp Genetics (formerly Invitae), Labcorp
Classification: Uncertain significance for Familial hemophagocytic lymphohistiocytosis 3. Last evaluated: 2022-08-23. Review status: criteria provided, single submitter. Criteria: Invitae Variant Classification Sherloc (09022015). Collection method: clinical testing. Allele origin: germline.
Comment: This sequence change replaces arginine, which is basic and polar, with histidine, which is basic and polar, at codon 359 of the UNC13D protein (p.Arg359His). This variant is present in population databases (rs146611729, gnomAD 0.05%). This variant has not been reported in the literature in individuals affected with UNC13D-related conditions. ClinVar contains an entry for this variant (Variation ID: 847734). Algorithms developed to predict the effect of missense changes on protein structure and function output the following: SIFT: "Not Available"; PolyPhen-2: "Benign"; Align-GVGD: "Not Available". The histidine amino acid residue is found in multiple mammalian species, which suggests that this missense change does not adversely affect protein function. In summary, the available evidence is currently insufficient to determine the role of this variant in disease. Therefore, it has been classified as a Variant of Uncertain Significance.